The following is an entry in ClinVar:

NM_005198.5(CHKB):c.1088T>C (p.Met363Thr)

Genes: CHKB (choline kinase beta; minus strand), CHKB-CPT1B (CHKB-CPT1B readthrough (NMD candidate); minus strand). Cytogenetic location: 22q13.33.
Variant type: single nucleotide variant.
Coding change: c.1088T>C on transcript NM_005198.5 (MANE Select); coding-DNA position 1088, T replaced by C.
Protein change: p.Met363Thr; replaces methionine 363 with threonine.
Molecular consequence: missense variant. On other transcripts: non-coding transcript variant (1).
Genome position (GRCh38, 1-based): chr22:50,579,451, A>G on the plus strand (T>C on the coding strand, the complement: CHKB is on the minus strand). VCF-style: chr22-50579451-A-G. GRCh37 (hg19) VCF-style: chr22-51017880-A-G.
Other names: short protein forms M363T.
Identifiers: ClinVar variation 2005544 (VCV002005544.4), dbSNP rs2522770718, ClinGen allele CA412194837.

ClinVar aggregate classification (germline): Uncertain significance (1 of 4 stars; one submission).

Conditions:
Megaconial type congenital muscular dystrophy (MDCMC). Also called: CHKB-Related Muscular Dystrophy; CHKB-Related Muscle Diseases; MUSCULAR DYSTROPHY, CONGENITAL, WITH MITOCHONDRIAL STRUCTURAL ABNORMALITIES. Identifiers: Orphanet 280671, MedGen C1865233, MONDO:0011246, OMIM 602541.

Submission:

Labcorp Genetics (formerly Invitae), Labcorp
Classification: Uncertain significance for Megaconial type congenital muscular dystrophy. Last evaluated: 2023-04-24. Review status: criteria provided, single submitter. Criteria: Invitae Variant Classification Sherloc (09022015). Collection method: clinical testing. Allele origin: germline.
Comment: In summary, the available evidence is currently insufficient to determine the role of this variant in disease. Therefore, it has been classified as a Variant of Uncertain Significance. Advanced modeling of protein sequence and biophysical properties (such as structural, functional, and spatial information, amino acid conservation, physicochemical variation, residue mobility, and thermodynamic stability) performed at Invitae indicates that this missense variant is not expected to disrupt CHKB protein function. ClinVar contains an entry for this variant (Variation ID: 2005544). This variant has not been reported in the literature in individuals affected with CHKB-related conditions. This variant is not present in population databases (gnomAD no frequency). This sequence change replaces methionine, which is neutral and non-polar, with threonine, which is neutral and polar, at codon 363 of the CHKB protein (p.Met363Thr).